The following is an entry in ClinVar:

NM_177438.3(DICER1):c.4850T>C (p.Leu1617Pro)

Gene: DICER1 (dicer 1, ribonuclease III; minus strand). Cytogenetic location: 14q32.13.
Variant type: single nucleotide variant.
Coding change: c.4850T>C on transcript NM_177438.3 (MANE Select); coding-DNA position 4850, T replaced by C.
Protein change: p.Leu1617Pro; replaces leucine 1617 with proline.
Molecular consequence: missense variant.
Genome position (GRCh38, 1-based): chr14:95,096,070, A>G on the plus strand (T>C on the coding strand, the complement: DICER1 is on the minus strand). VCF-style: chr14-95096070-A-G. GRCh37 (hg19) VCF-style: chr14-95562407-A-G.
Other names: c.4850T>C, p.Leu1617Pro (NM_001195573.1, NM_001271282.3, NM_001291628.2 and 1 more transcripts); short protein forms L1617P.
Identifiers: ClinVar variation 477223 (VCV000477223.12), dbSNP rs1555367614, ClinGen allele CA390866750.

ClinVar aggregate classification (germline): Uncertain significance. Review status: criteria provided, multiple submitters, no conflicts (2 of 4 stars). 2 submissions from 2 submitters: Uncertain significance (2). Last evaluated 2024-09-29.

Conditions:
DICER1-related tumor predisposition. Also called: DICER1-related pleuropulmonary blastoma cancer predisposition syndrome; DICER1 syndrome. Identifiers: Orphanet 284343, MedGen C3839822, MONDO:0100216.
Hereditary cancer-predisposing syndrome. Also called: Tumor predisposition; Neoplastic Syndromes, Hereditary; Hereditary Cancer Syndrome; Hereditary neoplastic syndrome. Identifiers: Orphanet 140162, MedGen C0027672, MeSH D009386, MONDO:0015356.

Submissions (2):

Labcorp Genetics (formerly Invitae), Labcorp
Classification: Uncertain significance for DICER1-related tumor predisposition. Last evaluated: 2024-09-29. Review status: criteria provided, single submitter. Criteria: Invitae Variant Classification Sherloc (09022015). Collection method: clinical testing. Allele origin: germline.
Comment: This sequence change replaces leucine, which is neutral and non-polar, with proline, which is neutral and non-polar, at codon 1617 of the DICER1 protein (p.Leu1617Pro). This variant is not present in population databases (gnomAD no frequency). This variant has not been reported in the literature in individuals affected with DICER1-related conditions. ClinVar contains an entry for this variant (Variation ID: 477223). An algorithm developed to predict the effect of missense changes on protein structure and function outputs the following: PolyPhen-2: "Benign". The proline amino acid residue is found in multiple mammalian species, which suggests that this missense change does not adversely affect protein function. In summary, the available evidence is currently insufficient to determine the role of this variant in disease. Therefore, it has been classified as a Variant of Uncertain Significance.

Ambry Genetics
Classification: Uncertain significance for Hereditary cancer-predisposing syndrome. Last evaluated: 2020-01-28. Review status: criteria provided, single submitter. Criteria: Ambry Variant Classification Scheme 2023. Collection method: clinical testing. Allele origin: germline.
Comment: The p.L1617P variant (also known as c.4850T>C), located in coding exon 22 of the DICER1 gene, results from a T to C substitution at nucleotide position 4850. The leucine at codon 1617 is replaced by proline, an amino acid with similar properties. This amino acid position is not well conserved in available vertebrate species. In addition, this alteration is predicted to be tolerated by in silico analysis. Since supporting evidence is limited at this time, the clinical significance of this alteration remains unclear.